The following is an entry in ClinVar:

ClinVar aggregate classification (germline): Pathogenic (1 of 4 stars; one submission).

Conditions:
Severe X-linked myotubular myopathy (CNMX). Also called: MYOTUBULAR MYOPATHY 1; X-linked centronuclear myopathy; Myotubular myopathy, X-linked. Identifiers: Orphanet 596, MedGen C0410203, MONDO:0010683, OMIM 310400.

Submission:

Victorian Clinical Genetics Services, Murdoch Childrens Research Institute
Classification: Pathogenic for Severe X-linked myotubular myopathy. Review status: criteria provided, single submitter. Criteria: ACMG Guidelines, 2015. Collection method: clinical testing. Allele origin: maternal. Affected: yes.
Comment: - Non-coding variant with known effect. This 5’UTR variant deletes the transcription start site (TSS) of the canonical transcript. Sequencing of blood derived RNA (in-house, non-accredited) indicates complete loss of transcription initiation from the affected TSS, while transcription is retained in the unaffected parents. There was no indication of significant transcription from an alternative TSS. - Variant is absent from gnomAD (both v2 and v3). - This variant has limited previous evidence of pathogenicity in unrelated individual(s). A deletion of MTM1 Exon 1 has been described in two brothers with myotubular myopathy (PMID 9931531, 12467749), however exact coordinates of the described deletion were not available. - Very strong and specific phenotype match for this individual.

NM_000252.2(MTM1):c.-76_-11del

Genes: MTM1 (myotubularin 1; plus strand), LOC130068796 (ATAC-STARR-seq lymphoblastoid silent region 21050; plus strand). Cytogenetic location: Xq28.
Variant type: Deletion.
Coding change: c.-76_-11del on transcript NM_000252.2; 76 bases upstream of the start codon through 11 bases upstream of the start codon, 66 bases deleted.
Genome position (GRCh38, 1-based): chrX:150,568,597-150,568,662, 66 bases deleted. GRCh37 (hg19): chrX:149,737,047-149,737,112.
Identifiers: ClinVar variation 2500781 (VCV002500781.1), dbSNP rs2521957506, ClinGen allele CA2580101615.